The following is an entry in ClinVar:

NM_015215.4(CAMTA1):c.981C>T (p.Asn327=)

Gene: CAMTA1 (calmodulin binding transcription activator 1; plus strand). Cytogenetic location: 1p36.23.
Variant type: single nucleotide variant.
Coding change: c.981C>T on transcript NM_015215.4 (MANE Select); coding-DNA position 981, C replaced by T.
Protein change: p.Asn327=; no amino-acid change (asparagine 327 retained).
Molecular consequence: synonymous variant.
Genome position (GRCh38, 1-based): chr1:7,663,528, C>T. VCF-style: chr1-7663528-C-T. GRCh37 (hg19) VCF-style: chr1-7723588-C-T.
Other names: p.Asn327=; c.891C>T, p.Asn297= (NM_001349608.2, NM_001349612.2); c.981C>T, p.Asn327= (NM_001349609.2, NM_001349610.2).
Identifiers: ClinVar variation 128566 (VCV000128566.13), dbSNP rs3737906, ClinGen allele CA152136.

ClinVar aggregate classification (germline): Benign. Review status: criteria provided, multiple submitters, no conflicts (2 of 4 stars). 5 submissions from 5 submitters: Benign (4). 1 of the submissions does not count toward it. Last evaluated 2026-02-01.

Allele frequency attached by ClinVar (database versions not stated): TOPMed 0.08569; gnomAD 0.09884 and 0.09941; ESP Exome Variant Server 0.10449; gnomAD exomes 0.13458 and 0.10430; 1000 Genomes Project 30x 0.06059; ExAC 0.10783; 1000 Genomes Project 0.05950.
gnomAD v4.1: 208,867 of 1,603,384 alleles (13%); highest among the groups gnomAD compares: Non-Finnish European, 15%; 15,172 homozygotes.

Submissions (5):

Labcorp Genetics (formerly Invitae), Labcorp
Classification: Benign. Last evaluated: 2026-02-01. Review status: criteria provided, single submitter. Criteria: Invitae Variant Classification Sherloc (09022015). Collection method: clinical testing. Allele origin: germline.

Mayo Clinic Laboratories, Mayo Clinic
Classification: Benign. Last evaluated: 2022-03-24. Review status: criteria provided, single submitter. Criteria: ACMG Guidelines, 2015. Collection method: clinical testing. Allele origin: germline. Observed: 119 variant alleles.

GeneDx
Classification: Benign. Last evaluated: 2018-06-18. Review status: criteria provided, single submitter. Criteria: GeneDx Variant Classification (06012015). Collection method: clinical testing. Allele origin: germline. Affected: yes.
Comment: This variant is considered likely benign or benign based on one or more of the following criteria: it is a conservative change, it occurs at a poorly conserved position in the protein, it is predicted to be benign by multiple in silico algorithms, and/or has population frequency not consistent with disease.

Breakthrough Genomics
Classification: Benign. Review status: criteria provided, single submitter. Criteria: ACMG Guidelines, 2015. Collection method: not provided. Allele origin: germline. Inheritance: Autosomal dominant inheritance. Affected: yes.

Genetic Services Laboratory, University of Chicago
Classification: Likely benign for AllHighlyPenetrant. Review status: no assertion criteria provided. Collection method: clinical testing. Allele origin: germline. Inheritance: Autosomal dominant inheritance. Not counted in ClinVar's aggregate classification.
Comment: Likely benign based on allele frequency in 1000 Genomes Project or ESP global frequency and its presence in a patient with a rare or unrelated disease phenotype. NOT Sanger confirmed.